The following is an entry in ClinVar:

NM_024795.4(TM4SF20):c.228G>A (p.Ala76=)

Genes: TM4SF20 (transmembrane 4 L six family member 20; minus strand), LOC126806540 (CDK7 strongly-dependent group 2 enhancer GRCh37_chr2:228235290-228236489; plus strand). Cytogenetic location: 2q36.3.
Variant type: single nucleotide variant.
Coding change: c.228G>A on transcript NM_024795.4 (MANE Select); coding-DNA position 228, G replaced by A.
Protein change: p.Ala76=; no amino-acid change (alanine 76 retained).
Molecular consequence: synonymous variant.
Genome position (GRCh38, 1-based): chr2:227,370,936, C>T on the plus strand (G>A on the coding strand, the complement: TM4SF20 is on the minus strand). VCF-style: chr2-227370936-C-T. GRCh37 (hg19) VCF-style: chr2-228235652-C-T.
Identifiers: ClinVar variation 2730400 (VCV002730400.5), dbSNP rs138547735, ClinGen allele CA2148268.
Genomic context (GRCh38, chr2:227,370,936, plus strand): 5'-CATGCACTTCTGCTTCCACGCCGACTGCTTCATACTTACTCCAGTTCTGTTGTTGCAGCA[C>T]GCTCTTTTTCTTGCTGTCAAGGACATTGTTGTTGCTGGAATGGCCTGGAAATGACATCAA-3'
Protein context (NP_079071.2, residues 66-86): TTMSLTARKR[Ala76=]CCNNRTGMFL

ClinVar aggregate classification (germline): Likely benign. Review status: criteria provided, single submitter (1 of 4 stars). 2 submissions from 2 submitters: Likely benign (1). 1 of the submissions does not count toward it. Last evaluated 2023-10-27.

Conditions:
TM4SF20-related disorder. Also called: TM4SF20-related condition.

Allele frequency attached by ClinVar (database versions not stated): TOPMed 0.00009; gnomAD 0.00011; 1000 Genomes Project 0.00020; 1000 Genomes Project 30x 0.00031; ESP Exome Variant Server 0.00031.
gnomAD v4.1: 100 of 1,613,996 alleles (0.0062%); highest among the groups gnomAD compares: South Asian, 0.048%; 1 homozygote.

Submissions (2):

Labcorp Genetics (formerly Invitae), Labcorp
Classification: Likely benign. Last evaluated: 2023-10-27. Review status: criteria provided, single submitter. Criteria: Invitae Variant Classification Sherloc (09022015). Collection method: clinical testing. Allele origin: germline.

PreventionGenetics, part of Exact Sciences
Classification: Likely benign for TM4SF20-related condition. Last evaluated: 2019-09-05. Review status: no assertion criteria provided. Collection method: clinical testing. Allele origin: germline. Not counted in ClinVar's aggregate classification.
Comment: This variant is classified as likely benign based on ACMG/AMP sequence variant interpretation guidelines (Richards et al. 2015 PMID: 25741868, with internal and published modifications).